The following is an entry in ClinVar:

ClinVar aggregate classification (germline): Likely benign. Review status: criteria provided, multiple submitters, no conflicts (2 of 4 stars). 2 submissions from 2 submitters: Likely benign (2). Last evaluated 2024-12-31.

Conditions:
GORAB-related disorder. Also called: GORAB-related condition.

gnomAD v4.1: 41 of 1,613,974 alleles (0.0025%); highest among the groups gnomAD compares: African/African-American, 0.011%; no homozygotes.

Submissions (2):

PreventionGenetics, part of Exact Sciences
Classification: Likely benign for GORAB-related condition. Last evaluated: 2024-12-31. Review status: criteria provided, single submitter. Criteria: ACMG Guidelines, 2015. Collection method: clinical testing. Allele origin: germline.
Comment: This variant is classified as likely benign based on ACMG/AMP sequence variant interpretation guidelines (Richards et al. 2015 PMID: 25741868, with internal and published modifications).

Labcorp Genetics (formerly Invitae), Labcorp
Classification: Likely benign. Last evaluated: 2024-04-01. Review status: criteria provided, single submitter. Criteria: Invitae Variant Classification Sherloc (09022015). Collection method: clinical testing. Allele origin: germline.

NM_152281.3(GORAB):c.282C>T (p.Pro94=)

Gene: GORAB (golgin, RAB6 interacting; plus strand). Cytogenetic location: 1q24.2.
Variant type: single nucleotide variant.
Coding change: c.282C>T on transcript NM_152281.3 (MANE Select); coding-DNA position 282, C replaced by T.
Protein change: p.Pro94=; no amino-acid change (proline 94 retained).
Molecular consequence: synonymous variant. On other transcripts: 5 prime UTR variant (1), non-coding transcript variant (1).
Genome position (GRCh38, 1-based): chr1:170,539,430, C>T. VCF-style: chr1-170539430-C-T. GRCh37 (hg19) VCF-style: chr1-170508571-C-T.
Other names: c.282C>T, p.Pro94= (NM_001146039.2); c.-184C>T (NM_001320252.2); c.231C>T, p.Pro77= (NM_001410894.1); c.357C>T (NM_152281.2).
Identifiers: ClinVar variation 2182200 (VCV002182200.5), dbSNP rs767686838, ClinGen allele CA1239085.
Genomic context (GRCh38, chr1:170,539,430, plus strand): 5'-CGTTCAAAAACCACCTTTTTCTTCCCCTACTCTTCCGAGTCATTTCACTCTCACCTCCCC[C>T]GTTGGTGATGGACAACCACAGGGCATTGAAAGTCAGCCAAAGGAACTGGGACTTGAGAAT-3'
Protein context (NP_689494.3, residues 84-104): TLPSHFTLTS[Pro94=]VGDGQPQGIE